The following is an entry in ClinVar:

NM_004006.3(DMD):c.5258T>G (p.Val1753Gly)

Gene: DMD (dystrophin; minus strand). Cytogenetic location: Xp21.1.
Variant type: single nucleotide variant.
Coding change: c.5258T>G on transcript NM_004006.3 (MANE Select); coding-DNA position 5258, T replaced by G.
Protein change: p.Val1753Gly; replaces valine 1753 with glycine.
Molecular consequence: missense variant.
Genome position (GRCh38, 1-based): chrX:32,362,855, A>C on the plus strand (T>G on the coding strand, the complement: DMD is on the minus strand). VCF-style: chrX-32362855-A-C. GRCh37 (hg19) VCF-style: chrX-32380972-A-C.
Other names: c.5234T>G, p.Val1745Gly (NM_000109.4); c.5246T>G, p.Val1749Gly (NM_004009.3); c.4889T>G, p.Val1630Gly (NM_004010.3); c.1235T>G, p.Val412Gly (NM_004011.4); c.1226T>G, p.Val409Gly (NM_004012.4); short protein forms V1630G, V1753G, V1749G, V1745G, V409G, V412G.
Identifiers: ClinVar variation 2700991 (VCV002700991.3), dbSNP rs2522499569, ClinGen allele CA412671146.

ClinVar aggregate classification (germline): Uncertain significance (1 of 4 stars; one submission).

Conditions:
Duchenne muscular dystrophy (DMD). Also called: MUSCULAR DYSTROPHY, PSEUDOHYPERTROPHIC PROGRESSIVE, DUCHENNE TYPE; Duchenne Muscular Dystrophy (DMD). Identifiers: Orphanet 98896, MedGen C0013264, MONDO:0010679, OMIM 310200.

Submission:

Labcorp Genetics (formerly Invitae), Labcorp
Classification: Uncertain significance for Duchenne muscular dystrophy. Last evaluated: 2023-12-05. Review status: criteria provided, single submitter. Criteria: Invitae Variant Classification Sherloc (09022015). Collection method: clinical testing. Allele origin: germline.
Comment: This sequence change replaces valine, which is neutral and non-polar, with glycine, which is neutral and non-polar, at codon 1753 of the DMD protein (p.Val1753Gly). This variant is not present in population databases (gnomAD no frequency). This variant has not been reported in the literature in individuals affected with DMD-related conditions. Advanced modeling of protein sequence and biophysical properties (such as structural, functional, and spatial information, amino acid conservation, physicochemical variation, residue mobility, and thermodynamic stability) performed at Invitae indicates that this missense variant is not expected to disrupt DMD protein function with a negative predictive value of 95%. In summary, the available evidence is currently insufficient to determine the role of this variant in disease. Therefore, it has been classified as a Variant of Uncertain Significance.